The following is an entry in ClinVar:

NM_018129.4(PNPO):c.*2291G>A

Gene: PNPO (pyridoxamine 5'-phosphate oxidase; plus strand). Cytogenetic location: 17q21.32.
Variant type: single nucleotide variant.
Coding change: c.*2291G>A on transcript NM_018129.4 (MANE Select); 2291 bases downstream of the stop codon, G replaced by A.
Molecular consequence: 3 prime UTR variant.
Genome position (GRCh38, 1-based): chr17:47,949,073, G>A. VCF-style: chr17-47949073-G-A. GRCh37 (hg19) VCF-style: chr17-46026439-G-A.
Identifiers: ClinVar variation 890330 (VCV000890330.4), dbSNP rs76311835, ClinGen allele CA291299217.

ClinVar aggregate classification (germline): Benign (1 of 4 stars; one submission).

Conditions:
Pyridoxal phosphate-responsive seizures (PNPOD). Also called: Pyridoxal 5'-Phosphate (PLP)-Dependent Epilepsy; EPILEPTIC ENCEPHALOPATHY, NEONATAL, PNPO-RELATED; Pyridoxamine 5-Prime-Phosphate Oxidase Deficiency; SEIZURES, PYRIDOXINE-RESISTANT, PLP-SENSITIVE; Pyridoxine-5'-phosphate oxidase deficiency. Identifiers: Orphanet 79096, MedGen C1864723, MONDO:0012407, OMIM 610090. Disease mechanism: loss of function.

Allele frequency attached by ClinVar (database versions not stated): gnomAD 0.00120 and 0.00171; TOPMed 0.00215; 1000 Genomes Project 30x 0.00547; 1000 Genomes Project 0.00679.

Submission:

Illumina Laboratory Services, Illumina
Classification: Benign for Pyridoxal phosphate-responsive seizures. Last evaluated: 2018-01-13. Review status: criteria provided, single submitter. Criteria: ICSL Variant Classification Criteria 13 December 2019. Collection method: clinical testing. Allele origin: germline.
Comment: This variant was observed in the ICSL laboratory as part of a predisposition screen in an ostensibly healthy population. It had not been previously curated by ICSL or reported in the Human Gene Mutation Database (HGMD: prior to June 1st, 2018), and was therefore a candidate for classification through an automated scoring system. Utilizing variant allele frequency, disease prevalence and penetrance estimates, and inheritance mode, an automated score was calculated to assess if this variant is too frequent to cause the disease. Based on the score and internal cut-off values, a variant classified as benign is not then subjected to further curation. The score for this variant resulted in a classification of benign for this disease.